The following is an entry in ClinVar:

ClinVar aggregate classification (germline): Uncertain significance (1 of 4 stars; one submission).

Conditions:
Cardiovascular phenotype. Identifiers: MedGen CN230736.

Allele frequency attached by ClinVar (database versions not stated): gnomAD exomes below 0.00001.
gnomAD v4.1: 1 of 1,613,936 alleles (0.000062%); highest among the groups gnomAD compares: Non-Finnish European, 0.000085%; no homozygotes.

Submission:

Ambry Genetics
Classification: Uncertain significance for Cardiovascular phenotype. Last evaluated: 2020-03-25. Review status: criteria provided, single submitter. Criteria: Ambry Variant Classification Scheme 2023. Collection method: clinical testing. Allele origin: germline.
Comment: The p.Q1487R variant (also known as c.4460A>G), located in coding exon 24 of the TTN gene, results from an A to G substitution at nucleotide position 4460. The glutamine at codon 1487 is replaced by arginine, an amino acid with highly similar properties. This amino acid position is highly conserved in available vertebrate species. In addition, the in silico prediction for this alteration is inconclusive. Since supporting evidence is limited at this time, the clinical significance of this alteration remains unclear.

NM_001267550.2(TTN):c.4598A>G (p.Gln1533Arg)

Genes: TTN (titin; minus strand), LOC101927055 (uncharacterized LOC101927055; plus strand). Cytogenetic location: 2q31.2.
Variant type: single nucleotide variant.
Coding change: c.4598A>G on transcript NM_001267550.2 (MANE Select); coding-DNA position 4598, A replaced by G.
Protein change: p.Gln1533Arg; replaces glutamine 1533 with arginine.
Molecular consequence: missense variant. On other transcripts: non-coding transcript variant (1).
Genome position (GRCh38, 1-based): chr2:178,777,467, T>C on the plus strand (A>G on the coding strand, the complement: TTN is on the minus strand). VCF-style: chr2-178777467-T-C. GRCh37 (hg19) VCF-style: chr2-179642194-T-C.
Other names: c.4598A>G, p.Gln1533Arg (NM_001256850.1, NM_133378.4, NM_133379.5); c.4460A>G, p.Gln1487Arg (NM_003319.4, NM_133432.3, NM_133437.4); short protein forms Q1533R, Q1487R.
Identifiers: ClinVar variation 1740775 (VCV001740775.2), dbSNP rs2532944888, ClinGen allele CA349463874.
Genomic context (GRCh38, chr2:178,777,467, plus strand): 5'-TATCTCATTTTACCTTCCACAGTTAAAATCACTGAAATTGAAGATCTGCCTGCCCTGTTT[T>C]GGGCAACCACAGTCCATTCCCCAGAATCACTGGGTGTGGCAGGGACAATAATTAGTGATT-3'
Protein context (NP_001254479.2, residues 1523-1543): SDSGEWTVVA[Gln1533Arg]NRAGRSSISV